The following is an entry in ClinVar:

NM_001378615.1(CC2D2A):c.*1T>A

Genes: CC2D2A (coiled-coil and C2 domain containing 2A; plus strand), FBXL5 (F-box and leucine rich repeat protein 5; minus strand). Cytogenetic location: 4p15.32.
Variant type: single nucleotide variant.
Coding change: c.*1T>A on transcript NM_001378615.1 (MANE Select); 1 bases downstream of the stop codon, T replaced by A.
Molecular consequence: 3 prime UTR variant.
Genome position (GRCh38, 1-based): chr4:15,601,426, T>A. VCF-style: chr4-15601426-T-A. GRCh37 (hg19) VCF-style: chr4-15603049-T-A.
Other names: c.*1T>A (NM_001080522.2, NM_001378617.1).
Identifiers: ClinVar variation 257381 (VCV000257381.13), dbSNP rs199945435, ClinGen allele CA2864494.

ClinVar aggregate classification (germline): Conflicting classifications of pathogenicity. Review status: criteria provided, conflicting classifications (1 of 4 stars). 6 submissions from 5 submitters: Uncertain significance (3); Likely benign (3). Last evaluated 2024-10-08.

Conditions:
Joubert syndrome 9 (JBTS9). Identifiers: Orphanet 2318, MedGen C2676788, MONDO:0012849, OMIM 612285.
Meckel syndrome, type 6. Identifiers: Orphanet 564, MedGen C2676790, MONDO:0012848, OMIM 612284.

Allele frequency attached by ClinVar (database versions not stated): 1000 Genomes Project 0.00040; gnomAD 0.00041 and 0.00042; gnomAD exomes 0.00045 and 0.00061; TOPMed 0.00046; ExAC 0.00057; 1000 Genomes Project 30x 0.00062.
gnomAD v4.1: 860 of 1,455,908 alleles (0.059%); highest among the groups gnomAD compares: Non-Finnish European, 0.071%; 1 homozygote.

Submissions (6):

Blueprint Genetics
Classification: Likely benign. Last evaluated: 2024-10-08. Review status: criteria provided, single submitter. Criteria: ACMG Guidelines, 2015. Collection method: clinical testing. Allele origin: germline.

GeneDx
Classification: Likely benign. Last evaluated: 2023-04-28. Review status: criteria provided, single submitter. Criteria: GeneDx Variant Classification Process June 2021. Collection method: clinical testing. Allele origin: germline. Affected: yes.
Comment: See Variant Classification Assertion Criteria.

Revvity Omics, Revvity
Classification: Uncertain significance. Last evaluated: 2020-07-14. Review status: criteria provided, single submitter. Criteria: ACMG Guidelines, 2015. Collection method: clinical testing. Allele origin: germline.

Illumina Laboratory Services, Illumina
Classification: Uncertain significance for Meckel syndrome, type 6. Last evaluated: 2018-01-13. Review status: criteria provided, single submitter. Criteria: ICSL Variant Classification Criteria 13 December 2019. Collection method: clinical testing. Allele origin: germline.

Illumina Laboratory Services, Illumina
Classification: Uncertain significance for Joubert syndrome 9. Last evaluated: 2018-01-13. Review status: criteria provided, single submitter. Criteria: ICSL Variant Classification Criteria 13 December 2019. Collection method: clinical testing. Allele origin: germline.

PreventionGenetics, part of Exact Sciences
Classification: Likely benign. Review status: criteria provided, single submitter. Criteria: ACMG Guidelines, 2015. Collection method: clinical testing. Allele origin: germline.